The following is an entry in ClinVar:

ClinVar aggregate classification (germline): Uncertain significance (1 of 4 stars; one submission).

Conditions:
TRPC5-related disorder. Also called: TRPC5-related condition.

Submission:

PreventionGenetics, part of Exact Sciences
Classification: Uncertain significance for TRPC5-related condition. Last evaluated: 2026-09-01. Review status: criteria provided, single submitter. Criteria: ACMG Guidelines, 2015. Collection method: clinical testing. Allele origin: germline.
Comment: The TRPC5 c.1963G>A variant is predicted to result in the amino acid substitution p.Gly655Ser. To our knowledge, this variant has not been reported in the literature or in a large population database (gnomAD), indicating this variant is rare. At this time, the clinical significance of this variant is uncertain due to the absence of conclusive functional and genetic evidence.

NM_012471.3(TRPC5):c.1963G>A (p.Gly655Ser)

Gene: TRPC5 (transient receptor potential cation channel subfamily C member 5; minus strand). Cytogenetic location: Xq23.
Variant type: single nucleotide variant.
Coding change: c.1963G>A on transcript NM_012471.3 (MANE Select); coding-DNA position 1963, G replaced by A.
Protein change: p.Gly655Ser; replaces glycine 655 with serine.
Molecular consequence: missense variant.
Genome position (GRCh38, 1-based): chrX:111,782,072, C>T on the plus strand (G>A on the coding strand, the complement: TRPC5 is on the minus strand). VCF-style: chrX-111782072-C-T. GRCh37 (hg19) VCF-style: chrX-111025300-C-T.
Other names: short protein forms G655S.
Identifiers: ClinVar variation 4993348 (VCV004993348.1).
Genomic context (GRCh38, chrX:111,782,072, plus strand): 5'-TACCAAGGTATAGAAATGACTTGGGGCTGGGGATGATGTTGAAAGGAGGTGGCAAGGTGC[C>T]ACCTTCATCAAAGTAACTCATCCAGAGCTTCGTCCTTGCAAACTTCCACTCGATATCAGC-3'
Protein context (NP_036603.1, residues 645-665): KLWMSYFDEG[Gly655Ser]TLPPPFNIIP